The following continues an entry in ClinVar:

NM_000545.8(HNF1A):c.872dup (p.Gly292fs)

Gene: HNF1A. ClinVar aggregate classification (germline): Pathogenic. Pathogenic (1).

Submissions 7 to 15 of 21:

Women's Health and Genetics/Laboratory Corporation of America, LabCorp
Classification: Pathogenic for Maturity-onset diabetes of the young. Last evaluated: 2023-09-26. Review status: criteria provided, single submitter. Criteria: LabCorp Variant Classification Summary - May 2015. Collection method: clinical testing. Allele origin: germline. Not counted in ClinVar's aggregate classification.
Comment: Variant summary: HNF1A c.872dupC (p.Gly292ArgfsX25) results in a premature termination codon, predicted to cause a truncation of the encoded protein or absence of the protein due to nonsense mediated decay, which are commonly known mechanisms for disease. The variant allele was found at a frequency of 0.00037 in 228182 control chromosomes (gnomAD), however the variant failed random forest filters and therefore the available allele frequency data may not be reliable. c.872dupC has been reported in the literature in multiple individuals affected with Maturity Onset Diabetes Of The Young 3 (e.g., Vesterhus_2008, Yamagata_1996, Yamada_1997, Glucksmann_1997, Barrio_2002). These data indicate that the variant is very likely to be associated with disease. The following publications have been ascertained in the context of this evaluation (PMID: 12050210, 9166684, 9313763, 8945470, 17989309). Eight submitters, including the ClinGen Monogenic Diabetes Variant Curation Expert Panel, have reported clinical-significance assessments for this variant to ClinVar after 2014. All submitters classified the variant as pathogenic. Based on the evidence outlined above, the variant was classified as pathogenic.

Laboratory for Molecular Medicine, Mass General Brigham Personalized Medicine
Classification: Pathogenic for Maturity-onset diabetes of the young. Last evaluated: 2023-01-04. Review status: criteria provided, single submitter. Criteria: ACMG Guidelines, 2015. Collection method: clinical testing. Allele origin: germline. Inheritance: Autosomal dominant inheritance. Not counted in ClinVar's aggregate classification.
Comment: The p.Gly292ArgfsX25 variant in HNF1A is the most frequently reported HNF1A variant and has been reported (initially as p.P291fsinsC) in more than 100 individuals with maturity-onset diabetes of the young (MODY; Colclough 2013 PMID: 23348805) and segregated with disease in at least 100 affected family members. It was also classified as pathogenic on April 23, 2022 by the ClinGen-approved Monogenic Diabetes expert panel (Variation ID 14927). Data from large population studies is insufficient to assess the frequency of this variant. This variant is predicted to cause a frameshift, which alters the protein’s amino acid sequence beginning at position 292 and leads to a premature termination codon 25 amino acids downstream. This alteration is then predicted to lead to a truncated or absent protein. Heterozygous loss of function of the HNF1A gene is an established disease mechanism in autosomal dominant monogenic diabetes. In summary, this variant meets criteria to be classified as pathogenic for autosomal dominant MODY. ACMG/AMP Criteria applied: PVS1, PS4, PP1_Strong.

GeneDx
Classification: Pathogenic. Last evaluated: 2022-03-15. Review status: criteria provided, single submitter. Criteria: GeneDx Variant Classification Process June 2021. Collection method: clinical testing. Allele origin: germline. Affected: yes. Not counted in ClinVar's aggregate classification.
Comment: Frameshift variant predicted to result in protein truncation or nonsense mediated decay in a gene for which loss-of-function is a known mechanism of disease; This variant is associated with the following publications: (PMID: 25174781, 21628466, 23551881, 29417725, 28170077, 12530534, 23607861, 8945470, 21051477, 27153395, 28012402, 29666556, 27913849, 29493090, 29927023, 28862987, 30814848, 30641602, 11058894, 12574234, 31291970, 32041611, 33031055)

Victorian Clinical Genetics Services, Murdoch Childrens Research Institute
Classification: Pathogenic for Maturity-onset diabetes of the young type 3. Last evaluated: 2022-02-02. Review status: criteria provided, single submitter. Criteria: ACMG Guidelines, 2015. Collection method: clinical testing. Allele origin: germline. Inheritance: Autosomal dominant inheritance. Not counted in ClinVar's aggregate classification.
Comment: Based on the classification scheme VCGS_Germline_v1.3.4, this variant is classified as Pathogenic. Following criteria are met: 0102 - Loss of function is a known mechanism of disease in this gene and is associated with Maturity-onset diabetes of the young type III (MODY type III; MIM#600496). (I) 0107 - This gene is associated with autosomal dominant disease. (I) 0201 - Variant is predicted to cause nonsense-mediated decay (NMD) and loss of protein (premature termination codon is located at least 54 nucleotides upstream of the final exon-exon junction). (SP) 0251 - This variant is heterozygous. (I) 0302 - Variant is present in gnomAD (v3) <0.001 for a dominant condition (1 heterozygote, 0 homozygotes). (SP) 0701 - Other NMD-predicted variants comparable to the one identified in this case have very strong previous evidence for pathogenicity (ClinVar). (SP) 0801 - This variant has strong previous evidence of pathogenicity in unrelated individuals. It has been reported in multiple families with MODY (ClinVar, PMID: 34373539, PMID: 25555642). (SP) 1208 - Inheritance information for this variant is not currently available in this individual. (I) Legend: (SP) - Supporting pathogenic, (I) - Information, (SB) - Supporting benign

Ambry Genetics
Classification: Pathogenic for Maturity-onset diabetes of the young. Last evaluated: 2020-12-08. Review status: criteria provided, single submitter. Criteria: Ambry Variant Classification Scheme 2023. Collection method: clinical testing. Allele origin: germline. Not counted in ClinVar's aggregate classification.
Comment: The c.872dupC pathogenic mutation, located in coding exon 4 of the HNF1A gene, results from a duplication of C at nucleotide position 872, causing a translational frameshift with a predicted alternate stop codon (p.G292Rfs*25). This mutation (designated as P291fsinsC) was first reported in a MODY family in which the mutation co-segregated with disease (Yamagata K et al. Nature, 1996 Dec;384:455-8). This is the most common HNF1A mutation; it has been reported in multiple maturity-onset diabetes of the young (MODY) families, as well as a de novo occurrence, and as a possible founder mutation in the Norwegian population (Colclough K et al. Hum. Mutat., 2013 May;34:669-85). An in vitro study quantified ectopically expressed mutant transcripts in lymphoblastoid cell lines and reduced mRNA levels to 6% of wild-type (Harries LW et al. Diabetes, 2004 Feb;53:500-4). In addition to the clinical data presented in the literature, this alteration is expected to result in loss of function by premature protein truncation or nonsense-mediated mRNA decay. As such, this alteration is interpreted as a disease-causing mutation.

Broad Center for Mendelian Genomics, Broad Institute of MIT and Harvard
Classification: Pathogenic for Maturity-onset diabetes of the young type 3. Last evaluated: 2020-01-22. Review status: criteria provided, single submitter. Criteria: ACMG Guidelines, 2015. Collection method: curation. Allele origin: germline. Inheritance: Autosomal dominant inheritance. Not counted in ClinVar's aggregate classification.
Comment: The p.Gly292Argfs25 variant in HNF1A has been reported in 7 individuals with maturity-onset diabetes of the young, segregated with disease in 6 affected relatives from 3 families (PMID: 25174781, 17573900) and has also been reported pathogenic by 4 unique submitters in ClinVar (Variation ID: 14927). Data from large population studies is insufficient to assess the frequency of this variant. The number of reported affected individuals with this variant is slightly greater than expected compared to non-affected individuals with this variant. This variant is predicted to cause a frameshift, which alters the protein's amino acid sequence beginning at position 292 and leads to a premature termination codon 25 amino acids downstream. This alteration is then predicted to lead to a truncated or absent protein. Heterozygous loss of function of the HNF1A gene is an established disease mechanism in maturity-onset diabetes of the young. In summary, this variant meets criteria to be classified as pathogenic for maturity-onset diabetes of the young in an autosomal dominant manner based on the predicted impact of the variant and segregation with disease in multiple families. ACMG/AMP Criteria applied: PVS1, PP1_Moderate, PS4_Supporting (Richards 2015).

Clinical Genomics, Uppaluri K&H Personalized Medicine Clinic
Classification: Pathogenic for Maturity-onset diabetes of the young. Review status: criteria provided, single submitter. Criteria: K & H Uppaluri Personalized Medicine Clinic Variant Classification & Assertion Criteria_Updated V.1. Collection method: research. Allele origin: unknown. Inheritance: Autosomal dominant inheritance. Not counted in ClinVar's aggregate classification.
Comment: Mutations in HNF1A gene can predispose to MODY3. It is associated with both micro and macrovascular complications of diabetes, especially cardiovascular complications. Associated with glucosuria. May respond well to sulfonylureas. Sufficient evidence is found to confer the association of this particular variant rs587776825 with MODY3.

Seattle Children's Hospital Molecular Genetics Laboratory, Seattle Children's Hospital
Classification: Pathogenic for Maturity-onset diabetes of the young type 3. Review status: criteria provided, single submitter. Criteria: ACMG Guidelines, 2015. Collection method: clinical testing. Allele origin: germline. Affected: yes. Not counted in ClinVar's aggregate classification.
Comment: The p.Gly292Argfs*25 is predicted to substitute the glycine at amino acid position 292 with arginine, followed by a frameshift that results in a premature termination codon after 25 amino acids. The p.Gly292Argfs*25 variant has been observed in 20%-50% of individuals with HNF1A-related MODY (PMID: 8945470, 29417725, 35235779). Individuals with the p.Gly292Argfs*25 variant often show symptoms similar to those of type 1 diabetes (PMID: 29107759). Functional studies have shown defects in ß cell differentiation, consistent with pancreatic abnormalities observed in individuals with the p.Gly292Argfs*25 variant (PMID: 35235779).

Cardiovascular Genetics Laboratory, PathWest Laboratory Medicine WA - Fiona Stanley Hospital
Classification: Pathogenic for Maturity-onset diabetes of the young type 3. Last evaluated: 2025-02-20. Review status: no assertion criteria provided. Criteria: ACMG Guidelines, 2015. Collection method: clinical testing. Allele origin: germline. Affected: yes. Not counted in ClinVar's aggregate classification.